The following is an entry in ClinVar:

ClinVar aggregate classification (germline): Likely pathogenic (1 of 4 stars; one submission).

Conditions:
Rothmund-Thomson syndrome type 2 (RTS2). Identifiers: Orphanet 221016, MedGen C5203410, MONDO:0016369, OMIM 268400.
Rapadilino syndrome. Identifiers: Orphanet 3021, MedGen C1849453, MONDO:0009955, OMIM 266280.
Baller-Gerold syndrome (BGS). Also called: CRANIOSYNOSTOSIS WITH RADIAL DEFECTS. Identifiers: Orphanet 1225, MedGen C0265308, MONDO:0009039, OMIM 218600.

gnomAD v4.1: 1 of 1,612,330 alleles (0.000062%); highest among the groups gnomAD compares: East Asian, 0.0022%; no homozygotes.

Submission:

Juno Genomics, Hangzhou Juno Genomics, Inc
Classification: Likely pathogenic for Baller-Gerold syndrome; Rapadilino syndrome; Rothmund-Thomson syndrome type 2. Review status: criteria provided, single submitter. Criteria: ACMG Guidelines, 2015. Collection method: clinical testing. Allele origin: germline.
Comment: Null variant in a gene where loss of function (LOF) is a known mechanism of disease.;Absent from controls (or at extremely low frequency if recessive) in Genome Aggregation Database.

NM_004260.4(RECQL4):c.2885+1G>A

Gene: RECQL4 (RecQ like helicase 4; minus strand). Cytogenetic location: 8q24.3.
Variant type: single nucleotide variant.
Coding change: c.2885+1G>A on transcript NM_004260.4 (MANE Select); the canonical splice donor site of the intron after coding-DNA position 2885, G replaced by A.
Molecular consequence: splice donor variant.
Genome position (GRCh38, 1-based): chr8:144,512,641, C>T on the plus strand (G>A on the coding strand, the complement: RECQL4 is on the minus strand). VCF-style: chr8-144512641-C-T. GRCh37 (hg19) VCF-style: chr8-145738024-C-T.
Other names: c.2756+1G>A (NM_001413025.1); c.2534+1G>A (NM_001413029.1); c.1748+1G>A (NM_001413032.1, NM_001413027.1, NM_001413030.1); c.1814+1G>A (NM_001413035.1, NM_001413040.1, NM_001413021.1 and 4 more transcripts); c.2591+1G>A (NM_001413017.1); c.2789+1G>A (NM_001413020.1); c.2855+1G>A (NM_001413039.1); c.2753+1G>A (NM_001413033.1); and 9 more.
Identifiers: ClinVar variation 5007291 (VCV005007291.2).